The following is an entry in ClinVar:

NM_144643.4(SCLT1):c.178G>T (p.Val60Phe)

Gene: SCLT1 (sodium channel and clathrin linker 1; minus strand). Cytogenetic location: 4q28.2.
Variant type: single nucleotide variant.
Coding change: c.178G>T on transcript NM_144643.4 (MANE Select); coding-DNA position 178, G replaced by T.
Protein change: p.Val60Phe; replaces valine 60 with phenylalanine.
Molecular consequence: missense variant.
Genome position (GRCh38, 1-based): chr4:129,043,451, C>A on the plus strand (G>T on the coding strand, the complement: SCLT1 is on the minus strand). VCF-style: chr4-129043451-C-A. GRCh37 (hg19) VCF-style: chr4-129964606-C-A.
Other names: c.178G>T, p.Val60Phe (NM_001300897.2, NM_001300898.2); c.178G>T (NM_144643.2); short protein forms V60F.
Identifiers: ClinVar variation 1422157 (VCV001422157.9), dbSNP rs1189057720, ClinGen allele CA358187728.
Genomic context (GRCh38, chr4:129,043,451, plus strand): 5'-ATACCTGGTAATATTTCAGCTGCCCATTTAGTTCTCCTAGGTGTTTATCATACTCAGTAA[C>A]AAGAGGAGCTAAAAAGCTAAAAAAAGACAATAAAAATATAGCATATTCTGTTCCATCTAG-3'
Protein context (NP_653244.2, residues 50-70): VFDQSFLAPL[Val60Phe]TEYDKHLGEL

ClinVar aggregate classification (germline): Uncertain significance. Review status: criteria provided, multiple submitters, no conflicts (2 of 4 stars). 2 submissions from 2 submitters: Uncertain significance (2). Last evaluated 2025-08-05.

Allele frequency attached by ClinVar (database versions not stated): gnomAD 0.00001.
gnomAD v4.1: 1 of 1,525,210 alleles (0.000066%); highest among the groups gnomAD compares: African/African-American, 0.0014%; no homozygotes.

Submissions (2):

Ambry Genetics
Classification: Uncertain significance. Last evaluated: 2025-08-05. Review status: criteria provided, single submitter. Criteria: Ambry Variant Classification Scheme 2023. Collection method: clinical testing. Allele origin: germline.

Labcorp Genetics (formerly Invitae), Labcorp
Classification: Uncertain significance. Last evaluated: 2022-06-13. Review status: criteria provided, single submitter. Criteria: Invitae Variant Classification Sherloc (09022015). Collection method: clinical testing. Allele origin: germline.
Comment: In summary, the available evidence is currently insufficient to determine the role of this variant in disease. Therefore, it has been classified as a Variant of Uncertain Significance. Algorithms developed to predict the effect of missense changes on protein structure and function (SIFT, PolyPhen-2, Align-GVGD) all suggest that this variant is likely to be tolerated. This variant has not been reported in the literature in individuals affected with SCLT1-related conditions. This variant is not present in population databases (gnomAD no frequency). This sequence change replaces valine, which is neutral and non-polar, with phenylalanine, which is neutral and non-polar, at codon 60 of the SCLT1 protein (p.Val60Phe).